The following is an entry in ClinVar:

NM_002693.3(POLG):c.2533G>T (p.Val845Leu)

Gene: POLG (DNA polymerase gamma, catalytic subunit; minus strand). Cytogenetic location: 15q26.1.
Variant type: single nucleotide variant.
Coding change: c.2533G>T on transcript NM_002693.3 (MANE Select); coding-DNA position 2533, G replaced by T.
Protein change: p.Val845Leu; replaces valine 845 with leucine.
Molecular consequence: missense variant.
Genome position (GRCh38, 1-based): chr15:89,321,801, C>A on the plus strand (G>T on the coding strand, the complement: POLG is on the minus strand). VCF-style: chr15-89321801-C-A. GRCh37 (hg19) VCF-style: chr15-89865032-C-A.
Other names: c.2533G>T, p.Val845Leu (NM_001126131.2); short protein forms V845L.
Identifiers: ClinVar variation 844624 (VCV000844624.4), dbSNP rs766185908, ClinGen allele CA393754477.

ClinVar aggregate classification (germline): Uncertain significance (1 of 4 stars; one submission).

Conditions:
Progressive sclerosing poliodystrophy (MTDPS4A). Also called: NEURONAL DEGENERATION OF CHILDHOOD WITH LIVER DISEASE, PROGRESSIVE; Alpers Syndrome; Alpers-Huttenlocher Syndrome (AHS); ALPERS PROGRESSIVE INFANTILE POLIODYSTROPHY; Mitochondrial DNA Depletion Syndrome 4A; ALPERS DIFFUSE DEGENERATION OF CEREBRAL GRAY MATTER WITH HEPATIC CIRRHOSIS. Identifiers: Orphanet 726, MedGen C0205710, MONDO:0008758, OMIM 203700.

Allele frequency attached by ClinVar (database versions not stated): gnomAD 0.00001.

Submission:

Labcorp Genetics (formerly Invitae), Labcorp
Classification: Uncertain significance for Progressive sclerosing poliodystrophy. Last evaluated: 2021-12-18. Review status: criteria provided, single submitter. Criteria: Invitae Variant Classification Sherloc (09022015). Collection method: clinical testing. Allele origin: germline.
Comment: This sequence change replaces valine, which is neutral and non-polar, with leucine, which is neutral and non-polar, at codon 845 of the POLG protein (p.Val845Leu). This variant is not present in population databases (gnomAD no frequency). This variant has not been reported in the literature in individuals affected with POLG-related conditions. ClinVar contains an entry for this variant (Variation ID: 844624). Algorithms developed to predict the effect of missense changes on protein structure and function are either unavailable or do not agree on the potential impact of this missense change (SIFT: "Deleterious"; PolyPhen-2: "Possibly Damaging"; Align-GVGD: "Class C0"). In summary, the available evidence is currently insufficient to determine the role of this variant in disease. Therefore, it has been classified as a Variant of Uncertain Significance.